The following is an entry in ClinVar:

ClinVar aggregate classification (germline): Uncertain significance (1 of 4 stars; one submission).

Conditions:
Spastic paraplegia. Identifiers: MedGen C0037772, HP:0001258.

Allele frequency attached by ClinVar (database versions not stated): gnomAD 0.00001; gnomAD exomes 0.00002 and 0.00008; ExAC 0.00003; TOPMed 0.00004.

Submission:

Labcorp Genetics (formerly Invitae), Labcorp
Classification: Uncertain significance for Spastic paraplegia. Last evaluated: 2023-11-27. Review status: criteria provided, single submitter. Criteria: Invitae Variant Classification Sherloc (09022015). Collection method: clinical testing. Allele origin: germline.
Comment: This sequence change replaces serine, which is neutral and polar, with phenylalanine, which is neutral and non-polar, at codon 95 of the AP4E1 protein (p.Ser95Phe). This variant is present in population databases (rs771192552, gnomAD 0.06%). This variant has not been reported in the literature in individuals affected with AP4E1-related conditions. ClinVar contains an entry for this variant (Variation ID: 643004). An algorithm developed to predict the effect of missense changes on protein structure and function (PolyPhen-2) suggests that this variant is likely to be disruptive. In summary, the available evidence is currently insufficient to determine the role of this variant in disease. Therefore, it has been classified as a Variant of Uncertain Significance.

NM_007347.5(AP4E1):c.284C>T (p.Ser95Phe)

Gene: AP4E1 (adaptor related protein complex 4 subunit epsilon 1; plus strand). Cytogenetic location: 15q21.2.
Variant type: single nucleotide variant.
Coding change: c.284C>T on transcript NM_007347.5 (MANE Select); coding-DNA position 284, C replaced by T.
Protein change: p.Ser95Phe; replaces serine 95 with phenylalanine.
Molecular consequence: missense variant.
Genome position (GRCh38, 1-based): chr15:50,915,509, C>T. VCF-style: chr15-50915509-C-T. GRCh37 (hg19) VCF-style: chr15-51207706-C-T.
Other names: c.59C>T, p.Ser20Phe (NM_001252127.2); short protein forms S20F, S95F.
Identifiers: ClinVar variation 643004 (VCV000643004.9), dbSNP rs771192552, ClinGen allele CA7558714.